The following is an entry in ClinVar:

ClinVar aggregate classification (germline): Likely pathogenic (1 of 4 stars; one submission).

Allele frequency attached by ClinVar (database versions not stated): gnomAD exomes below 0.00001.
gnomAD v4.1: 1 of 1,613,522 alleles (0.000062%); highest among the groups gnomAD compares: Non-Finnish European, 0.000085%; no homozygotes.

Submission:

CeGaT Center for Human Genetics Tuebingen
Classification: Likely pathogenic. Last evaluated: 2023-03-01. Review status: criteria provided, single submitter. Criteria: CeGaT Center For Human Genetics Tuebingen Variant Classification Criteria Version 2. Collection method: clinical testing. Allele origin: germline. Affected: yes. Observed: 1 variant allele.
Comment: KMT2B: PM1, PM2, PS2:Moderate, PP3

NM_014727.3(KMT2B):c.2884C>T (p.Arg962Cys)

Gene: KMT2B (lysine methyltransferase 2B; plus strand). Cytogenetic location: 19q13.12.
Variant type: single nucleotide variant.
Coding change: c.2884C>T on transcript NM_014727.3 (MANE Select); coding-DNA position 2884, C replaced by T.
Protein change: p.Arg962Cys; replaces arginine 962 with cysteine.
Molecular consequence: missense variant.
Genome position (GRCh38, 1-based): chr19:35,723,156, C>T. VCF-style: chr19-35723156-C-T. GRCh37 (hg19) VCF-style: chr19-36214058-C-T.
Other names: short protein forms R962C.
Identifiers: ClinVar variation 2498773 (VCV002498773.28), dbSNP rs1385766471, ClinGen allele CA405402376.
Genomic context (GRCh38, chr19:35,723,156, plus strand): 5'-GGAGGGACCCTGGCCCACACACCCCGGCGCTCACTGCCCTCCCATCACGGCAAGAAGATG[C>T]GCATGGCTCGATGTGGACACTGTCGGGGCTGCCTACGTGTGCAGGACTGTGGGTCCTGTG-3'
Protein context (NP_055542.1, residues 952-972): SLPSHHGKKM[Arg962Cys]MARCGHCRGC